The following is an entry in ClinVar:

ClinVar aggregate classification (germline): Benign (0 of 4 stars; one submission).

Conditions:
SEC23IP-related disorder. Also called: SEC23IP-related condition.

Allele frequency attached by ClinVar (database versions not stated): ESP Exome Variant Server 0.03944; TOPMed 0.04407; gnomAD 0.05467; ExAC 0.09055; 1000 Genomes Project 30x 0.10509; 1000 Genomes Project 0.11681.

Submission:

PreventionGenetics, part of Exact Sciences
Classification: Benign for SEC23IP-related condition. Last evaluated: 2019-10-21. Review status: no assertion criteria provided. Collection method: clinical testing. Allele origin: germline.
Comment: This variant is classified as benign based on ACMG/AMP sequence variant interpretation guidelines (Richards et al. 2015 PMID: 25741868, with internal and published modifications).

NM_007190.4(SEC23IP):c.1287T>C (p.Asp429=)

Gene: SEC23IP (SEC23 interacting protein; plus strand). Cytogenetic location: 10q26.12.
Variant type: single nucleotide variant.
Coding change: c.1287T>C on transcript NM_007190.4 (MANE Select); coding-DNA position 1287, T replaced by C.
Protein change: p.Asp429=; no amino-acid change (aspartic acid 429 retained).
Molecular consequence: synonymous variant. On other transcripts: non-coding transcript variant (1).
Genome position (GRCh38, 1-based): chr10:119,912,139, T>C. VCF-style: chr10-119912139-T-C. GRCh37 (hg19) VCF-style: chr10-121671651-T-C.
Other names: c.1287T>C, p.Asp429= (NM_001411070.1).
Identifiers: ClinVar variation 3055672 (VCV003055672.2), dbSNP rs17099368, ClinGen allele CA5718503.